The following is an entry in ClinVar:

ClinVar aggregate classification (germline): Uncertain significance (1 of 4 stars; one submission).

Submission:

Greenwood Genetic Center Diagnostic Laboratories, Greenwood Genetic Center
Classification: Uncertain significance. Last evaluated: 2022-04-20. Review status: criteria provided, single submitter. Criteria: ACMG Guidelines, 2015. Collection method: clinical testing. Allele origin: germline. Affected: yes.
Comment: PM2, PP2

NM_006852.6(TLK2):c.1718C>T (p.Pro573Leu)

Gene: TLK2 (tousled like kinase 2; plus strand). Cytogenetic location: 17q23.2.
Variant type: single nucleotide variant.
Coding change: c.1718C>T on transcript NM_006852.6 (MANE Select); coding-DNA position 1718, C replaced by T.
Protein change: p.Pro573Leu; replaces proline 573 with leucine.
Molecular consequence: missense variant.
Genome position (GRCh38, 1-based): chr17:62,600,818, C>T. VCF-style: chr17-62600818-C-T. GRCh37 (hg19) VCF-style: chr17-60678179-C-T.
Other names: c.1784C>T, p.Pro595Leu (NM_001284333.3); c.1622C>T, p.Pro541Leu (NM_001284363.1, NM_001375272.1); c.1271C>T, p.Pro424Leu (NM_001330418.3, NM_001375273.1); c.1760C>T, p.Pro587Leu (NM_001375269.1); c.1718C>T, p.Pro573Leu (NM_001375270.1, NM_001375271.1); short protein forms P424L, P541L, P573L, P587L, P595L.
Identifiers: ClinVar variation 1703150 (VCV001703150.3), dbSNP rs2546015343, ClinGen allele CA400511342.